The following is an entry in ClinVar:

ClinVar aggregate classification (germline): Uncertain significance (1 of 4 stars; one submission).

Conditions:
Acyl-CoA oxidase deficiency. Also called: Pseudoneonatal adrenoleukodystrophy; STRAIGHT-CHAIN ACYL-CoA OXIDASE DEFICIENCY; Peroxisomal acyl-CoA oxidase deficiency. Identifiers: Orphanet 2971, MedGen C1849678, MONDO:0009919, OMIM 264470. Disease mechanism: loss of function.

gnomAD v4.1: 1 of 1,614,084 alleles (0.000062%); highest among the groups gnomAD compares: Non-Finnish European, 0.000085%; no homozygotes.

Submission:

Labcorp Genetics (formerly Invitae), Labcorp
Classification: Uncertain significance for Acyl-CoA oxidase deficiency. Last evaluated: 2024-12-16. Review status: criteria provided, single submitter. Criteria: Invitae Variant Classification Sherloc (09022015). Collection method: clinical testing. Allele origin: germline.
Comment: This sequence change replaces methionine, which is neutral and non-polar, with threonine, which is neutral and polar, at codon 474 of the ACOX1 protein (p.Met474Thr). This variant is not present in population databases (gnomAD no frequency). This variant has not been reported in the literature in individuals affected with ACOX1-related conditions. Invitae Evidence Modeling of protein sequence and biophysical properties (such as structural, functional, and spatial information, amino acid conservation, physicochemical variation, residue mobility, and thermodynamic stability) indicates that this missense variant is not expected to disrupt ACOX1 protein function with a negative predictive value of 80%. In summary, the available evidence is currently insufficient to determine the role of this variant in disease. Therefore, it has been classified as a Variant of Uncertain Significance.

NM_004035.7(ACOX1):c.1421T>C (p.Met474Thr)

Gene: ACOX1 (acyl-CoA oxidase 1; minus strand). Cytogenetic location: 17q25.1.
Variant type: single nucleotide variant.
Coding change: c.1421T>C on transcript NM_004035.7 (MANE Select); coding-DNA position 1421, T replaced by C.
Protein change: p.Met474Thr; replaces methionine 474 with threonine.
Molecular consequence: missense variant.
Genome position (GRCh38, 1-based): chr17:75,949,775, A>G on the plus strand (T>C on the coding strand, the complement: ACOX1 is on the minus strand). VCF-style: chr17-75949775-A-G. GRCh37 (hg19) VCF-style: chr17-73945856-A-G.
Other names: c.1307T>C, p.Met436Thr (NM_001185039.2); c.1421T>C, p.Met474Thr (NM_007292.6); short protein forms M436T, M474T.
Identifiers: ClinVar variation 3621943 (VCV003621943.2).